The following is an entry in ClinVar:

NM_000709.4(BCKDHA):c.731G>T (p.Gly244Val)

Gene: BCKDHA (branched chain keto acid dehydrogenase E1 subunit alpha; plus strand). Cytogenetic location: 19q13.2.
Variant type: single nucleotide variant.
Coding change: c.731G>T on transcript NM_000709.4 (MANE Select); coding-DNA position 731, G replaced by T.
Protein change: p.Gly244Val; replaces glycine 244 with valine.
Molecular consequence: missense variant.
Genome position (GRCh38, 1-based): chr19:41,422,248, G>T. VCF-style: chr19-41422248-G-T. GRCh37 (hg19) VCF-style: chr19-41928153-G-T.
Other names: c.731G>T, p.Gly244Val (NM_001164783.2); short protein forms G244V.
Identifiers: ClinVar variation 2016163 (VCV002016163.4), dbSNP rs1488566123, ClinGen allele CA406012831.

ClinVar aggregate classification (germline): Uncertain significance (1 of 4 stars; one submission).

Conditions:
Maple syrup urine disease (MSUD). Identifiers: Orphanet 511, MedGen C0024776, MeSH D008375, MONDO:0009563. Disease mechanism: loss of function.

Submission:

Labcorp Genetics (formerly Invitae), Labcorp
Classification: Uncertain significance for Maple syrup urine disease. Last evaluated: 2022-11-15. Review status: criteria provided, single submitter. Criteria: Invitae Variant Classification Sherloc (09022015). Collection method: clinical testing. Allele origin: germline.
Comment: This sequence change replaces glycine, which is neutral and non-polar, with valine, which is neutral and non-polar, at codon 244 of the BCKDHA protein (p.Gly244Val). In summary, the available evidence is currently insufficient to determine the role of this variant in disease. Therefore, it has been classified as a Variant of Uncertain Significance. Advanced modeling of protein sequence and biophysical properties (such as structural, functional, and spatial information, amino acid conservation, physicochemical variation, residue mobility, and thermodynamic stability) performed at Invitae indicates that this missense variant is expected to disrupt BCKDHA protein function. This variant has not been reported in the literature in individuals affected with BCKDHA-related conditions. This variant is not present in population databases (gnomAD no frequency).